The following is an entry in ClinVar:

NM_017849.4(TMEM127):c.2T>G (p.Met1Arg)

Genes: TMEM127 (transmembrane protein 127; minus strand), LOC129934333 (ATAC-STARR-seq lymphoblastoid silent region 11759; plus strand). Cytogenetic location: 2q11.2.
Variant type: single nucleotide variant.
Coding change: c.2T>G on transcript NM_017849.4 (MANE Select); coding-DNA position 2, T replaced by G.
Protein change: p.Met1Arg; changes the start codon (methionine 1).
Molecular consequence: missense variant, initiator codon variant.
Genome position (GRCh38, 1-based): chr2:96,265,380, A>C on the plus strand (T>G on the coding strand, the complement: TMEM127 is on the minus strand). VCF-style: chr2-96265380-A-C. GRCh37 (hg19) VCF-style: chr2-96931118-A-C.
Other names: c.2T>G, p.Met1Arg (NM_001193304.3); short protein forms M1R.
Identifiers: ClinVar variation 857168 (VCV000857168.12), dbSNP rs1684398953, ClinGen allele CA347656379.

ClinVar aggregate classification (germline): Pathogenic/Likely pathogenic. Review status: criteria provided, multiple submitters, no conflicts (2 of 4 stars). 2 submissions from 2 submitters: Pathogenic (1); Likely pathogenic (1). Last evaluated 2022-10-24.

Conditions:
Hereditary pheochromocytoma and paraganglioma. Also called: Hereditary pheochromocytoma-paraganglioma; Hereditary paragangliomas and pheochromocytomas; Hereditary Paraganglioma-Pheochromocytoma Syndromes. Identifiers: Orphanet 29072, MedGen C4274332, MONDO:0017366.
Hereditary cancer-predisposing syndrome. Also called: Hereditary Cancer Syndrome; Tumor predisposition; Neoplastic Syndromes, Hereditary; Hereditary neoplastic syndrome. Identifiers: Orphanet 140162, MedGen C0027672, MeSH D009386, MONDO:0015356.

Submissions (2):

Labcorp Genetics (formerly Invitae), Labcorp
Classification: Pathogenic for Hereditary pheochromocytoma and paraganglioma. Last evaluated: 2022-10-24. Review status: criteria provided, single submitter. Criteria: Invitae Variant Classification Sherloc (09022015). Collection method: clinical testing. Allele origin: germline.
Comment: This sequence change affects the initiator methionine of the TMEM127 mRNA. The next in-frame methionine is located at codon 85. This variant is not present in population databases (gnomAD no frequency). Disruption of the initiator codon has been observed in individuals with paraganglioma-pheochromocytoma syndrome (PMID: 28384794, 29282712; Invitae). ClinVar contains an entry for this variant (Variation ID: 857168). Algorithms developed to predict the effect of variants on protein structure and function are not available or were not evaluated for this variant. Experimental studies have shown that disruption of the initiator codon affects TMEM127 function (PMID: 21156949). Algorithms developed to predict the effect of sequence changes on RNA splicing suggest that this variant may create or strengthen a splice site. For these reasons, this variant has been classified as Pathogenic.

Ambry Genetics
Classification: Likely pathogenic for Hereditary cancer-predisposing syndrome. Last evaluated: 2019-10-01. Review status: criteria provided, single submitter. Criteria: Ambry Variant Classification Scheme 2023. Collection method: clinical testing. Allele origin: germline.
Comment: The p.M1? pathogenic mutation (also known as c.2T>G) is located in coding exon 1 of the TMEM127 gene and results from a T to G substitution at nucleotide position 2. This alters the methionine residue at the initiation codon. The authors created a GFP expression construct containing the predicted N-terminal truncation of 85 amino acids and found that it did not have the same cellular localization as wild type protein, suggesting impaired function (Yao L et al. JAMA. 2010 Dec;304:2611-9). In addition to the clinical data presentd in the literature, since sequence variations that modify the initiation codon (ATG) are expected to result in either loss of translation initiation, N-terminal truncation, or cause a shift in the mRNA reading frame, this alteration is interpreted as likely pathogenic.

Literature cited by the submitters: PubMed 28384794 (cited by Labcorp Genetics (formerly Invitae), Labcorp); PubMed 29282712 (cited by Labcorp Genetics (formerly Invitae), Labcorp); PubMed 21156949 (cited by Labcorp Genetics (formerly Invitae), Labcorp).